The following is an entry in ClinVar:

NM_004366.6(CLCN2):c.719T>C (p.Leu240Pro)

Gene: CLCN2 (chloride voltage-gated channel 2; minus strand). Cytogenetic location: 3q27.1.
Variant type: single nucleotide variant.
Coding change: c.719T>C on transcript NM_004366.6 (MANE Select); coding-DNA position 719, T replaced by C.
Protein change: p.Leu240Pro; replaces leucine 240 with proline.
Molecular consequence: missense variant.
Genome position (GRCh38, 1-based): chr3:184,357,673, A>G on the plus strand (T>C on the coding strand, the complement: CLCN2 is on the minus strand). VCF-style: chr3-184357673-A-G. GRCh37 (hg19) VCF-style: chr3-184075461-A-G.
Other names: c.719T>C (NM_004366.4); c.719T>C, p.Leu240Pro (NM_001171087.3, NM_001171089.3); c.587T>C, p.Leu196Pro (NM_001171088.3); short protein forms L196P, L240P.
Identifiers: ClinVar variation 809577 (VCV000809577.57), dbSNP rs143751880, ClinGen allele CA2734387.

ClinVar aggregate classification (germline): Uncertain significance. Review status: criteria provided, multiple submitters, no conflicts (2 of 4 stars). 8 submissions from 8 submitters: Uncertain significance (7). 1 of the submissions does not count toward it. Last evaluated 2024-12-02.

Conditions:
Inborn genetic diseases. Identifiers: MedGen C0950123, MeSH D030342.
Epilepsy, idiopathic generalized, susceptibility to, 11 (EIG11). Identifiers: Orphanet 307, MedGen C2750893, MONDO:0011875, OMIM 607628.
Leukoencephalopathy with mild cerebellar ataxia and white matter edema (LKPAT). Also called: CLCN2-Related Leukoencephalopathy; Leukoencephalopathy with ataxia; Leukoencephalopathy with white matter edema; Brain white matter edema. Identifiers: Orphanet 363540, MedGen C4554120, MONDO:0014292, OMIM 615651. Disease mechanism: loss of function.
Familial hyperaldosteronism type II. Also called: FH II. Identifiers: Orphanet 404, MedGen C1854107, MONDO:0011576, OMIM 605635.

Allele frequency attached by ClinVar (database versions not stated): ExAC 0.00012; gnomAD 0.00012 and 0.00013; ESP Exome Variant Server 0.00015; gnomAD exomes 0.00016 and 0.00028; TOPMed 0.00017.
gnomAD v4.1: 416 of 1,613,968 alleles (0.026%); highest among the groups gnomAD compares: Non-Finnish European, 0.033%; no homozygotes.

Submissions (8):

Labcorp Genetics (formerly Invitae), Labcorp
Classification: Uncertain significance. Last evaluated: 2024-12-02. Review status: criteria provided, single submitter. Criteria: Invitae Variant Classification Sherloc (09022015). Collection method: clinical testing. Allele origin: germline.
Comment: This sequence change replaces leucine, which is neutral and non-polar, with proline, which is neutral and non-polar, at codon 240 of the CLCN2 protein (p.Leu240Pro). This variant is present in population databases (rs143751880, gnomAD 0.03%). This variant has not been reported in the literature in individuals affected with CLCN2-related conditions. ClinVar contains an entry for this variant (Variation ID: 809577). Invitae Evidence Modeling of protein sequence and biophysical properties (such as structural, functional, and spatial information, amino acid conservation, physicochemical variation, residue mobility, and thermodynamic stability) indicates that this missense variant is expected to disrupt CLCN2 protein function with a positive predictive value of 80%. In summary, the available evidence is currently insufficient to determine the role of this variant in disease. Therefore, it has been classified as a Variant of Uncertain Significance.

Blueprint Genetics
Classification: Uncertain significance. Last evaluated: 2024-08-28. Review status: criteria provided, single submitter. Criteria: ACMG Guidelines, 2015. Collection method: clinical testing. Allele origin: germline.

Fulgent Genetics
Classification: Uncertain significance for Familial hyperaldosteronism type II; Epilepsy, idiopathic generalized, susceptibility to, 11; Leukoencephalopathy with mild cerebellar ataxia and white matter edema. Last evaluated: 2024-05-28. Review status: criteria provided, single submitter. Criteria: ACMG Guidelines, 2015. Collection method: clinical testing. Allele origin: germline.

Revvity Omics, Revvity
Classification: Uncertain significance. Last evaluated: 2022-07-22. Review status: criteria provided, single submitter. Criteria: ACMG Guidelines, 2015. Collection method: clinical testing. Allele origin: germline.

Ambry Genetics
Classification: Uncertain significance for Inborn genetic diseases. Last evaluated: 2021-10-26. Review status: criteria provided, single submitter. Criteria: Ambry Variant Classification Scheme 2023. Collection method: clinical testing. Allele origin: germline.

Laboratorio de Genetica e Diagnostico Molecular, Hospital Israelita Albert Einstein
Classification: Uncertain significance. Last evaluated: 2019-06-17. Review status: criteria provided, single submitter. Criteria: ACMG Guidelines, 2015. Collection method: clinical testing. Allele origin: germline. Affected: yes.
Comment: ACMG classification criteria: PM1, PM2, PP3

CeGaT Center for Human Genetics Tuebingen
Classification: Uncertain significance. Last evaluated: 2016-07-01. Review status: criteria provided, single submitter. Criteria: CeGaT Center For Human Genetics Tuebingen Variant Classification Criteria Version 2. Collection method: clinical testing. Allele origin: germline. Affected: yes. Observed: 1 variant allele.

Clinical Genetics Laboratory, University Hospital Schleswig-Holstein
Classification: Uncertain significance for Epilepsy, idiopathic generalized, susceptibility to, 11. Last evaluated: 2021-08-12. Review status: no assertion criteria provided. Collection method: clinical testing. Allele origin: germline. Affected: yes. Not counted in ClinVar's aggregate classification.